The following is an entry in ClinVar:

ClinVar aggregate classification (germline): Benign/Likely benign. Review status: criteria provided, multiple submitters, no conflicts (2 of 4 stars). 3 submissions from 3 submitters: Benign (1); Likely benign (2). Last evaluated 2026-08-03.

Conditions:
Familial colorectal cancer type X. Identifiers: Orphanet 440437, MedGen C3896578, MONDO:0018604.

Submissions (3):

Myriad Genetics, Inc.
Classification: Benign for Familial colorectal cancer type X. Last evaluated: 2026-08-03. Review status: criteria provided, single submitter. Criteria: Myriad Autosomal Dominant, Autosomal Recessive and X-Linked Classification Criteria (2023). Collection method: clinical testing. Allele origin: unknown.
Comment: This variant is considered benign. This variant is a silent/synonymous amino acid change and it is not expected to impact splicing.

Ambry Genetics
Classification: Likely benign. Last evaluated: 2024-12-30. Review status: criteria provided, single submitter. Criteria: Ambry Variant Classification Scheme 2023. Collection method: clinical testing. Allele origin: germline.

Labcorp Genetics (formerly Invitae), Labcorp
Classification: Likely benign. Last evaluated: 2023-12-08. Review status: criteria provided, single submitter. Criteria: Invitae Variant Classification Sherloc (09022015). Collection method: clinical testing. Allele origin: germline.

NM_001023.4(RPS20):c.184A>C (p.Arg62=)

Gene: RPS20 (ribosomal protein S20; minus strand). Cytogenetic location: 8q12.1.
Variant type: single nucleotide variant.
Coding change: c.184A>C on transcript NM_001023.4 (MANE Select); coding-DNA position 184, A replaced by C.
Protein change: p.Arg62=; no amino-acid change (arginine 62 retained).
Molecular consequence: synonymous variant.
Genome position (GRCh38, 1-based): chr8:56,073,266, T>G on the plus strand (A>C on the coding strand, the complement: RPS20 is on the minus strand). VCF-style: chr8-56073266-T-G. GRCh37 (hg19) VCF-style: chr8-56985825-T-G.
Other names: c.184A>C, p.Arg62= (NM_001146227.3); c.184A>C (NM_001023.3).
Identifiers: ClinVar variation 2732733 (VCV002732733.5), dbSNP rs2486982160, ClinGen allele CA371283232.